The following is an entry in ClinVar:

NM_003002.4(SDHD):c.356C>A (p.Ala119Asp)

Gene: SDHD (succinate dehydrogenase complex subunit D; plus strand). Cytogenetic location: 11q23.1.
Variant type: single nucleotide variant.
Coding change: c.356C>A on transcript NM_003002.4 (MANE Select); coding-DNA position 356, C replaced by A.
Protein change: p.Ala119Asp; replaces alanine 119 with aspartic acid.
Molecular consequence: missense variant. On other transcripts: 3 prime UTR variant (1), non-coding transcript variant (1).
Genome position (GRCh38, 1-based): chr11:112,094,846, C>A. VCF-style: chr11-112094846-C-A. GRCh37 (hg19) VCF-style: chr11-111965570-C-A.
Other names: c.211C>A, p.Pro71Thr (NM_001276503.2); c.239C>A, p.Ala80Asp (NM_001276504.2); c.*54C>A (NM_001276506.2); short protein forms A119D, A80D, P71T.
Identifiers: ClinVar variation 577142 (VCV000577142.6), dbSNP rs758784300, ClinGen allele CA382618944.

ClinVar aggregate classification (germline): Uncertain significance (1 of 4 stars; one submission).

Conditions:
Carney-Stratakis syndrome. Also called: PARAGANGLIOMA AND GASTROINTESTINAL STROMAL TUMOR. Identifiers: Orphanet 97286, MedGen C1847319, MONDO:0011740, OMIM 606864.
Paragangliomas with sensorineural hearing loss. Identifiers: MedGen C1868633.
Pheochromocytoma. Also called: MAX-Related Hereditary Paraganglioma-Pheochromocytoma Syndrome. Identifiers: Orphanet 29072, MedGen C0031511, MONDO:0008233, OMIM 171300, HP:0002666.
Cowden syndrome 3 (CWS3). Identifiers: Orphanet 201, MedGen CN166604, MONDO:0014045.

gnomAD v4.1: 1 of 1,611,994 alleles (0.000062%); highest among the groups gnomAD compares: Non-Finnish European, 0.000085%; no homozygotes.

Submission:

Labcorp Genetics (formerly Invitae), Labcorp
Classification: Uncertain significance for Carney-Stratakis syndrome; Paragangliomas with sensorineural hearing loss; Pheochromocytoma; Cowden syndrome 3. Last evaluated: 2022-04-13. Review status: criteria provided, single submitter. Criteria: Invitae Variant Classification Sherloc (09022015). Collection method: clinical testing. Allele origin: germline.
Comment: This variant has not been reported in the literature in individuals affected with SDHD-related conditions. This sequence change replaces alanine, which is neutral and non-polar, with aspartic acid, which is acidic and polar, at codon 119 of the SDHD protein (p.Ala119Asp). This variant is not present in population databases (gnomAD no frequency). In summary, the available evidence is currently insufficient to determine the role of this variant in disease. Therefore, it has been classified as a Variant of Uncertain Significance. Advanced modeling of protein sequence and biophysical properties (such as structural, functional, and spatial information, amino acid conservation, physicochemical variation, residue mobility, and thermodynamic stability) performed at Invitae indicates that this missense variant is not expected to disrupt SDHD protein function. ClinVar contains an entry for this variant (Variation ID: 577142).